The following is an entry in ClinVar:

NM_000182.5(HADHA):c.340C>T (p.Gln114Ter)

Gene: HADHA (hydroxyacyl-CoA dehydrogenase trifunctional multienzyme complex subunit alpha; minus strand). Cytogenetic location: 2p23.3.
Variant type: single nucleotide variant.
Coding change: c.340C>T on transcript NM_000182.5 (MANE Select); coding-DNA position 340, C replaced by T.
Protein change: p.Gln114Ter; replaces glutamine 114 with a stop codon.
Molecular consequence: nonsense.
Genome position (GRCh38, 1-based): chr2:26,234,330, G>A on the plus strand (C>T on the coding strand, the complement: HADHA is on the minus strand). VCF-style: chr2-26234330-G-A. GRCh37 (hg19) VCF-style: chr2-26457198-G-A.
Other names: short protein forms Q114*.
Identifiers: ClinVar variation 983873 (VCV000983873.7), dbSNP rs1670695733, ClinGen allele CA346093748.

ClinVar aggregate classification (germline): Pathogenic/Likely pathogenic. Review status: criteria provided, multiple submitters, no conflicts (2 of 4 stars). 2 submissions from 2 submitters: Pathogenic (1); Likely pathogenic (1). Last evaluated 2023-03-27.

Conditions:
Long chain 3-hydroxyacyl-CoA dehydrogenase deficiency. Also called: LCHAD Deficiency; Deficiency of long-chain 3-hydroxyacyl-coenzyme A dehydrogenase. Identifiers: Orphanet 5, MedGen C3711645, MONDO:0012173, OMIM 609016.
Mitochondrial trifunctional protein deficiency. Identifiers: Orphanet 746, MedGen C1969443, MONDO:0012172.

Submissions (2):

Labcorp Genetics (formerly Invitae), Labcorp
Classification: Pathogenic for Mitochondrial trifunctional protein deficiency; Long chain 3-hydroxyacyl-CoA dehydrogenase deficiency. Last evaluated: 2023-03-27. Review status: criteria provided, single submitter. Criteria: Invitae Variant Classification Sherloc (09022015). Collection method: clinical testing. Allele origin: germline.
Comment: For these reasons, this variant has been classified as Pathogenic. ClinVar contains an entry for this variant (Variation ID: 983873). This variant has not been reported in the literature in individuals affected with HADHA-related conditions. This variant is not present in population databases (gnomAD no frequency). This sequence change creates a premature translational stop signal (p.Gln114*) in the HADHA gene. It is expected to result in an absent or disrupted protein product. Loss-of-function variants in HADHA are known to be pathogenic (PMID: 7738175, 21103935, 21549624, 22459206).

Myriad Genetics, Inc.
Classification: Likely pathogenic for Long chain 3-hydroxyacyl-CoA dehydrogenase deficiency. Last evaluated: 2019-09-22. Review status: criteria provided, single submitter. Criteria: Myriad Autosomal Dominant, Autosomal Recessive and X-Linked Classification Criteria (2023). Collection method: clinical testing. Allele origin: unknown.
Comment: NM_000182.4(HADHA):c.340C>T(Q114*) is expected to be pathogenic in the context of HADHA-related disorders. This variant is predicted to lead to an abnormal or absent protein product due to the creation of a premature termination codon in HADHA, a gene where loss-of-function variants are known to be pathogenic. Please note: this variant was assessed in the context of healthy population screening.

Literature cited by the submitters: PubMed 7738175 (cited by Labcorp Genetics (formerly Invitae), Labcorp); PubMed 21103935 (cited by Labcorp Genetics (formerly Invitae), Labcorp); PubMed 21549624 (cited by Labcorp Genetics (formerly Invitae), Labcorp); PubMed 22459206 (cited by Labcorp Genetics (formerly Invitae), Labcorp).